The following is an entry in ClinVar:

NM_144670.6(A2ML1):c.2464G>A (p.Val822Ile)

Gene: A2ML1 (alpha-2-macroglobulin like 1; plus strand). Cytogenetic location: 12p13.31.
Variant type: single nucleotide variant.
Coding change: c.2464G>A on transcript NM_144670.6 (MANE Select); coding-DNA position 2464, G replaced by A.
Protein change: p.Val822Ile; replaces valine 822 with isoleucine.
Molecular consequence: missense variant.
Genome position (GRCh38, 1-based): chr12:8,852,210, G>A. VCF-style: chr12-8852210-G-A. GRCh37 (hg19) VCF-style: chr12-9004806-G-A.
Other names: c.2464G>A (NM_144670.5); c.991G>A, p.Val331Ile (NM_001282424.3); short protein forms V822I, V331I.
Identifiers: ClinVar variation 426753 (VCV000426753.56), dbSNP rs201752325, ClinGen allele CA6436026.

ClinVar aggregate classification (germline): Uncertain significance. Review status: criteria provided, multiple submitters, no conflicts (2 of 4 stars). 6 submissions from 6 submitters: Uncertain significance (5). 1 of the submissions does not count toward it. Last evaluated 2025-03-23.

Conditions:
A2ML1-related disorder. Also called: A2ML1-related condition.
Otitis media, susceptibility to (OMS). Also called: COME/ROM; OTITIS MEDIA, CHRONIC/RECURRENT. Identifiers: MedGen C1833692, MONDO:0008162, OMIM 166760.

Allele frequency attached by ClinVar (database versions not stated): gnomAD 0.00012 and 0.00013; ExAC 0.00013; gnomAD exomes 0.00013; 1000 Genomes Project 30x 0.00016; ESP Exome Variant Server 0.00016; TOPMed 0.00016; 1000 Genomes Project 0.00020.
gnomAD v4.1: 336 of 1,613,992 alleles (0.021%); highest among the groups gnomAD compares: Middle Eastern, 0.083%; no homozygotes.

Submissions (6):

Ambry Genetics
Classification: Uncertain significance. Last evaluated: 2025-03-23. Review status: criteria provided, single submitter. Criteria: Ambry Variant Classification Scheme 2023. Collection method: clinical testing. Allele origin: germline.
Comment: The p.V822I variant (also known as c.2464G>A) is located in coding exon 20 of the A2ML1 gene. The valine at codon 822 is replaced by isoleucine, an amino acid with highly similar properties. This change occurs in the first base pair of coding exon 20. This amino acid position is conserved. In addition, this alteration is predicted to be tolerated by in silico analysis. Since supporting evidence is limited at this time, the clinical significance of this alteration remains unclear.

Labcorp Genetics (formerly Invitae), Labcorp
Classification: Uncertain significance. Last evaluated: 2025-01-27. Review status: criteria provided, single submitter. Criteria: Invitae Variant Classification Sherloc (09022015). Collection method: clinical testing. Allele origin: germline.
Comment: This sequence change replaces valine, which is neutral and non-polar, with isoleucine, which is neutral and non-polar, at codon 822 of the A2ML1 protein (p.Val822Ile). This variant is present in population databases (rs201752325, gnomAD 0.03%). This missense change has been observed in individual(s) with A2ML1-related conditions (PMID: 35904599). ClinVar contains an entry for this variant (Variation ID: 426753). An algorithm developed to predict the effect of missense changes on protein structure and function outputs the following: PolyPhen-2: "Benign". The isoleucine amino acid residue is found in multiple mammalian species, which suggests that this missense change does not adversely affect protein function. In summary, the available evidence is currently insufficient to determine the role of this variant in disease. Therefore, it has been classified as a Variant of Uncertain Significance.

Fulgent Genetics
Classification: Uncertain significance for Otitis media, susceptibility to. Last evaluated: 2021-07-02. Review status: criteria provided, single submitter. Criteria: ACMG Guidelines, 2015. Collection method: clinical testing. Allele origin: unknown.

GeneDx
Classification: Uncertain significance. Last evaluated: 2017-04-05. Review status: criteria provided, single submitter. Criteria: GeneDx Variant Classification (06012015). Collection method: clinical testing. Allele origin: germline. Affected: yes.
Comment: The c.2464 G>A variant in the A2ML1 gene has not been reported previously as a pathogenic variant, nor as a benign variant, to our knowledge. The c.2464 G>A variant is observed in 14/66596 (0.021%) alleles from individuals of non-Finnish European background in the ExAC dataset (Lek et al., 2016). In-silico splice prediction models predict that c.2464 G>A may reduce the quality of the natural splice acceptor site. However, in the absence of RNA/functional studies, the actual effect of the c.2464 G>A change in this individual is unknown. If c.2464 G>A does not alter splicing, it will result in the V822I missense change. The V822I variant is a conservative amino acid substitution, which is not likely to impact secondary protein structure as these residues share similar properties. This substitution occurs at a position where amino acids with similar properties to Valine are tolerated across species, and in silico analysis is inconsistent in its predictions as to whether or not the variant is damaging to the protein structure/function. We interpret c.2464 G>A as a variant of uncertain significance.

CeGaT Center for Human Genetics Tuebingen
Classification: Uncertain significance. Last evaluated: 2017-02-01. Review status: criteria provided, single submitter. Criteria: CeGaT Center For Human Genetics Tuebingen Variant Classification Criteria Version 2. Collection method: clinical testing. Allele origin: germline. Affected: yes. Observed: 1 variant allele.

PreventionGenetics, part of Exact Sciences
Classification: Likely benign for A2ML1-related condition. Last evaluated: 2019-05-24. Review status: no assertion criteria provided. Collection method: clinical testing. Allele origin: germline. Not counted in ClinVar's aggregate classification.
Comment: This variant is classified as likely benign based on ACMG/AMP sequence variant interpretation guidelines (Richards et al. 2015 PMID: 25741868, with internal and published modifications).

Literature cited by the submitters: PubMed 35904599 (cited by Labcorp Genetics (formerly Invitae), Labcorp).